The following is an entry in ClinVar:

NM_133379.5(TTN):c.13614A>C (p.Gln4538His)

Gene: TTN (titin; minus strand). Cytogenetic location: 2q31.2.
Variant type: single nucleotide variant.
Coding change: c.13614A>C on transcript NM_133379.5; coding-DNA position 13614, A replaced by C.
Protein change: p.Gln4538His; replaces glutamine 4538 with histidine.
Molecular consequence: missense variant. On other transcripts: intron variant (6).
Genome position (GRCh38, 1-based): chr2:178,748,786, T>G on the plus strand (A>C on the coding strand, the complement: TTN is on the minus strand). VCF-style: chr2-178748786-T-G. GRCh37 (hg19) VCF-style: chr2-179613513-T-G.
Other names: p.Q4538H:CAA>CAC; c.10222+4338A>C (NM_003319.4); c.10798+4338A>C (NM_133437.4); c.10597+4338A>C (NM_133432.3); c.10360+4338A>C (NM_133378.4, NM_001256850.1); c.11311+4338A>C (NM_001267550.2); short protein forms Q4538H.
Identifiers: ClinVar variation 166263 (VCV000166263.50), dbSNP rs139344272, ClinGen allele CA179106.

ClinVar aggregate classification (germline): Benign/Likely benign. Review status: criteria provided, multiple submitters, no conflicts (2 of 4 stars). 8 submissions from 8 submitters: Benign (1); Likely benign (4). 3 of the submissions do not count toward it. Last evaluated 2024-09-10.

Conditions:
Hypertrophic cardiomyopathy 9. Also called: Familial hypertrophic cardiomyopathy 9. Identifiers: MedGen C1861065, MONDO:0013412, OMIM 613765.
Dilated cardiomyopathy 1G (CMD1G). Identifiers: Orphanet 154, MedGen C1858763, MONDO:0011400, OMIM 604145.
Myopathy, myofibrillar, 9, with early respiratory failure (MFM9). Also called: Hereditary myopathy with early respiratory failure; MYOPATHY, PROXIMAL, WITH EARLY RESPIRATORY MUSCLE INVOLVEMENT; EDSTROM MYOPATHY; Myopathy, distal, with early respiratory failure, autosomal dominant. Identifiers: Orphanet 178464, Orphanet 34521, MedGen C1863599, MONDO:0011362, OMIM 603689.
Autosomal recessive limb-girdle muscular dystrophy type 2J (LGMDR10). Also called: Limb-girdle muscular dystrophy, type 2J; MUSCULAR DYSTROPHY, LIMB-GIRDLE, AUTOSOMAL RECESSIVE 10. Identifiers: Orphanet 140922, MedGen C1837342, MONDO:0012127, OMIM 608807.
Tibial muscular dystrophy (TMD). Also called: UDD MYOPATHY; Tibial muscular dystrophy, tardive; Udd Distal Myopathy – Tibial Muscular Dystrophy. Identifiers: Orphanet 609, MedGen C1838244, MONDO:0010870, OMIM 600334.
Early-onset myopathy with fatal cardiomyopathy (CMYO5). Also called: CONGENITAL MYOPATHY 5 WITH CARDIOMYOPATHY; Salih Myopathy. Identifiers: Orphanet 289377, MedGen C2673677, MONDO:0012714, OMIM 611705. Disease mechanism: loss of function.

Allele frequency attached by ClinVar (database versions not stated): gnomAD 0.00019 and 0.00031; TOPMed 0.00023; ExAC 0.00059; gnomAD exomes 0.00060; 1000 Genomes Project 30x 0.00156; 1000 Genomes Project 0.00180.
gnomAD v4.1: 336 of 1,612,338 alleles (0.021%); highest among the groups gnomAD compares: East Asian, 0.56%; no homozygotes.

Submissions (8):

Blueprint Genetics
Classification: Likely benign. Last evaluated: 2024-09-10. Review status: criteria provided, single submitter. Criteria: ACMG Guidelines, 2015. Collection method: clinical testing. Allele origin: germline.

CeGaT Center for Human Genetics Tuebingen
Classification: Likely benign. Last evaluated: 2022-12-01. Review status: criteria provided, single submitter. Criteria: CeGaT Center For Human Genetics Tuebingen Variant Classification Criteria Version 2. Collection method: clinical testing. Allele origin: germline. Affected: yes. Observed: 3 variant alleles.
Comment: TTN: BP4, BS2

Fulgent Genetics
Classification: Likely benign for Tibial muscular dystrophy; Myopathy, myofibrillar, 9, with early respiratory failure; Dilated cardiomyopathy 1G; Autosomal recessive limb-girdle muscular dystrophy type 2J; Early-onset myopathy with fatal cardiomyopathy; Hypertrophic cardiomyopathy 9. Last evaluated: 2021-08-23. Review status: criteria provided, single submitter. Criteria: ACMG Guidelines, 2015. Collection method: clinical testing. Allele origin: unknown.

Eurofins Ntd Llc (ga)
Classification: Benign. Last evaluated: 2017-07-27. Review status: criteria provided, single submitter. Criteria: EGL Classification Definitions 2015. Collection method: clinical testing. Allele origin: germline. Observed: 2 variant alleles, 2 heterozygotes.

Laboratory for Molecular Medicine, Mass General Brigham Personalized Medicine
Classification: Likely benign. Last evaluated: 2015-10-01. Review status: criteria provided, single submitter. Criteria: LMM Criteria. Collection method: clinical testing. Allele origin: germline. Observed: 2 variant alleles.
Comment: p.Gln4538His in exon 45A of TTN: This variant is not expected to have clinical s ignificance because it has been identified in 0.7% (64/8552) of East Asian chrom osomes by the Exome Aggregation Consortium (ExAC ; dbSNP rs139344272).

GeneDx
No classification provided. Last evaluated: 2014-07-22. Review status: no classification provided. Criteria: GeneDx Variant Classification (06012015). Collection method: clinical testing. Allele origin: germline. Affected: yes. Not counted in ClinVar's aggregate classification.
Comment: Missense variants in the TTN gene are considered 'unclassified' if they are not previously reported in the literature and do not have >1% frequency in the population to be considered a polymorphism. Research indicates that truncating mutations in the TTN gene are expected to account for approximately 25% of familial and 18% of sporadic idiopathic DCM; however, truncating variants in the TTN gene have been reported in approximately 3% of reported control alleles. There has been little investigation into non-truncating variants. (Herman D et al. Truncations of titin causing dilated cardiomyopathy. N Eng J Med 366:619-628, 2012) The variant is found in CARDIOMYOPATHY,DCM-CRDM panel(s).

Clinical Genetics, Academic Medical Center
Classification: Benign. Review status: no assertion criteria provided. Collection method: clinical testing. Allele origin: germline. Affected: yes. Study: VKGL Data-share Consensus. Not counted in ClinVar's aggregate classification.

Laboratory of Diagnostic Genome Analysis, Leiden University Medical Center (LUMC)
Classification: Likely benign. Review status: no assertion criteria provided. Collection method: clinical testing. Allele origin: germline. Affected: yes. Study: VKGL Data-share Consensus. Not counted in ClinVar's aggregate classification.